The following is an entry in ClinVar:

NM_017617.5(NOTCH1):c.2864G>A (p.Arg955His)

Gene: NOTCH1 (notch receptor 1; minus strand). Cytogenetic location: 9q34.3.
Variant type: single nucleotide variant.
Coding change: c.2864G>A on transcript NM_017617.5 (MANE Select); coding-DNA position 2864, G replaced by A.
Protein change: p.Arg955His; replaces arginine 955 with histidine.
Molecular consequence: missense variant.
Genome position (GRCh38, 1-based): chr9:136,509,838, C>T on the plus strand (G>A on the coding strand, the complement: NOTCH1 is on the minus strand). VCF-style: chr9-136509838-C-T. GRCh37 (hg19) VCF-style: chr9-139404290-C-T.
Other names: c.2864G>A, p.Arg955His (LRG_1122t1); short protein forms R955H.
Identifiers: ClinVar variation 477907 (VCV000477907.43), dbSNP rs557049479, ClinGen allele CA5341130.

ClinVar aggregate classification (germline): Conflicting classifications of pathogenicity. Review status: criteria provided, conflicting classifications (1 of 4 stars). 5 submissions from 5 submitters: Uncertain significance (3); Likely benign (2). Last evaluated 2025-11-12.

Conditions:
Familial thoracic aortic aneurysm and aortic dissection (TAAD). Also called: Thoracic aortic aneurysms and dissections. Identifiers: Orphanet 91387, MedGen C4707243, MONDO:0019625.
Adams-Oliver syndrome 5 (AOS5). Identifiers: Orphanet 974, MedGen C4014970, MONDO:0014459, OMIM 616028.

Allele frequency attached by ClinVar (database versions not stated): TOPMed 0.00006; ExAC 0.00016; 1000 Genomes Project 0.00060; 1000 Genomes Project 30x 0.00062.
gnomAD v4.1: 135 of 1,613,122 alleles (0.0084%); highest among the groups gnomAD compares: South Asian, 0.075%; no homozygotes.

Submissions (5):

Labcorp Genetics (formerly Invitae), Labcorp
Classification: Likely benign for Adams-Oliver syndrome 5. Last evaluated: 2025-11-12. Review status: criteria provided, single submitter. Criteria: Invitae Variant Classification Sherloc (09022015). Collection method: clinical testing. Allele origin: germline.

Ambry Genetics
Classification: Uncertain significance for Familial thoracic aortic aneurysm and aortic dissection. Last evaluated: 2023-10-23. Review status: criteria provided, single submitter. Criteria: Ambry Variant Classification Scheme 2023. Collection method: clinical testing. Allele origin: germline.
Comment: The p.R955H variant (also known as c.2864G>A), located in coding exon 18 of the NOTCH1 gene, results from a G to A substitution at nucleotide position 2864. The arginine at codon 955 is replaced by histidine, an amino acid with highly similar properties. This amino acid position is conserved. In addition, this alteration is predicted to be tolerated by in silico analysis. Since supporting evidence is limited at this time, the clinical significance of this alteration remains unclear.

GeneDx
Classification: Uncertain significance. Last evaluated: 2023-04-19. Review status: criteria provided, single submitter. Criteria: GeneDx Variant Classification Process June 2021. Collection method: clinical testing. Allele origin: germline. Affected: yes.
Comment: Has not been previously published as pathogenic or benign to our knowledge; In silico analysis supports that this missense variant has a deleterious effect on protein structure/function

CeGaT Center for Human Genetics Tuebingen
Classification: Uncertain significance. Last evaluated: 2023-02-01. Review status: criteria provided, single submitter. Criteria: CeGaT Center For Human Genetics Tuebingen Variant Classification Criteria Version 2. Collection method: clinical testing. Allele origin: germline. Affected: yes. Observed: 1 variant allele.
Comment: NOTCH1: PP2, BP4

CHEO Genetics Diagnostic Laboratory, Children's Hospital of Eastern Ontario
Classification: Likely benign for Familial thoracic aortic aneurysm and aortic dissection. Last evaluated: 2019-09-27. Review status: criteria provided, single submitter. Criteria: ACMG Guidelines, 2015. Collection method: clinical testing. Allele origin: germline.